The following is an entry in ClinVar:

ClinVar aggregate classification (germline): Uncertain significance (1 of 4 stars; one submission).

Submission:

Labcorp Genetics (formerly Invitae), Labcorp
Classification: Uncertain significance. Last evaluated: 2024-04-25. Review status: criteria provided, single submitter. Criteria: Invitae Variant Classification Sherloc (09022015). Collection method: clinical testing. Allele origin: germline.
Comment: This sequence change replaces glutamic acid, which is acidic and polar, with lysine, which is basic and polar, at codon 716 of the CFH protein (p.Glu716Lys). This variant is not present in population databases (gnomAD no frequency). This variant has not been reported in the literature in individuals affected with CFH-related conditions. Algorithms developed to predict the effect of missense changes on protein structure and function output the following: SIFT: "Not Available"; PolyPhen-2: "Benign"; Align-GVGD: "Not Available". The lysine amino acid residue is found in multiple mammalian species, which suggests that this missense change does not adversely affect protein function. In summary, the available evidence is currently insufficient to determine the role of this variant in disease. Therefore, it has been classified as a Variant of Uncertain Significance.

NM_000186.4(CFH):c.2146G>A (p.Glu716Lys)

Gene: CFH (complement factor H; plus strand). Cytogenetic location: 1q31.3.
Variant type: single nucleotide variant.
Coding change: c.2146G>A on transcript NM_000186.4 (MANE Select); coding-DNA position 2146, G replaced by A.
Protein change: p.Glu716Lys; replaces glutamic acid 716 with lysine.
Molecular consequence: missense variant.
Genome position (GRCh38, 1-based): chr1:196,726,850, G>A. VCF-style: chr1-196726850-G-A. GRCh37 (hg19) VCF-style: chr1-196695980-G-A.
Other names: short protein forms E716K.
Identifiers: ClinVar variation 3650911 (VCV003650911.2).